The following is an entry in ClinVar:

NM_017617.5(NOTCH1):c.7661T>A (p.Phe2554Tyr)

Gene: NOTCH1 (notch receptor 1; minus strand). Cytogenetic location: 9q34.3.
Variant type: single nucleotide variant.
Coding change: c.7661T>A on transcript NM_017617.5 (MANE Select); coding-DNA position 7661, T replaced by A.
Protein change: p.Phe2554Tyr; replaces phenylalanine 2554 with tyrosine.
Molecular consequence: missense variant.
Genome position (GRCh38, 1-based): chr9:136,496,078, A>T on the plus strand (T>A on the coding strand, the complement: NOTCH1 is on the minus strand). VCF-style: chr9-136496078-A-T. GRCh37 (hg19) VCF-style: chr9-139390530-A-T.
Other names: short protein forms F2554Y.
Identifiers: ClinVar variation 4710973 (VCV004710973.1).
Genomic context (GRCh38, chr9:136,496,078, plus strand): 5'-ACAGACGCCCGAAGGCTTGGGAAAGGAAGCCGGGGTCTCGTGGGGCGCGCCGTTTACTTG[A>T]AGGCCTCCGGAATGCGGGCGATCTGGGACTGCATGCTGGTGGGAGGGCTGGAGACGCCCT-3'
Protein context (NP_060087.3, residues 2544-2555): QSQIARIPEA[Phe2554Tyr]K

ClinVar aggregate classification (germline): Uncertain significance (1 of 4 stars; one submission).

Conditions:
Adams-Oliver syndrome 5 (AOS5). Identifiers: Orphanet 974, MedGen C4014970, MONDO:0014459, OMIM 616028.

Submission:

Labcorp Genetics (formerly Invitae), Labcorp
Classification: Uncertain significance for Adams-Oliver syndrome 5. Last evaluated: 2025-12-13. Review status: criteria provided, single submitter. Criteria: Invitae Variant Classification Sherloc (09022015). Collection method: clinical testing. Allele origin: germline.
Comment: This sequence change replaces phenylalanine, which is neutral and non-polar, with tyrosine, which is neutral and polar, at codon 2554 of the NOTCH1 protein (p.Phe2554Tyr). This variant is not present in population databases (gnomAD no frequency). This variant has not been reported in the literature in individuals affected with NOTCH1-related conditions. Invitae Evidence Modeling of protein sequence and biophysical properties (such as structural, functional, and spatial information, amino acid conservation, physicochemical variation, residue mobility, and thermodynamic stability) indicates that this missense variant is not expected to disrupt NOTCH1 protein function with a negative predictive value of 95%. In summary, the available evidence is currently insufficient to determine the role of this variant in disease. Therefore, it has been classified as a Variant of Uncertain Significance.